The following is an entry in ClinVar:

NM_024334.3(TMEM43):c.393G>A (p.Arg131=)

Gene: TMEM43 (transmembrane protein 43; plus strand). Cytogenetic location: 3p25.1.
Variant type: single nucleotide variant.
Coding change: c.393G>A on transcript NM_024334.3 (MANE Select); coding-DNA position 393, G replaced by A.
Protein change: p.Arg131=; no amino-acid change (arginine 131 retained).
Molecular consequence: synonymous variant.
Genome position (GRCh38, 1-based): chr3:14,132,546, G>A. VCF-style: chr3-14132546-G-A. GRCh37 (hg19) VCF-style: chr3-14174046-G-A.
Identifiers: ClinVar variation 862007 (VCV000862007.13), dbSNP rs1695110759, ClinGen allele CA432551317.

ClinVar aggregate classification (germline): Conflicting classifications of pathogenicity. Review status: criteria provided, conflicting classifications (1 of 4 stars). 4 submissions from 4 submitters: Uncertain significance (1); Likely benign (3). Last evaluated 2025-02-16.

Conditions:
Cardiovascular phenotype. Identifiers: MedGen CN230736.
Arrhythmogenic right ventricular dysplasia 5. Also called: Arrhythmogenic Right Ventricular Dysplasia/Cardiomyopathy 5; ARRHYTHMOGENIC RIGHT VENTRICULAR DYSPLASIA, FAMILIAL, 5. Identifiers: MedGen C1858379, MONDO:0011459, OMIM 604400.
Cardiomyopathy (CMYO). Also called: Cardiomyopathies. Identifiers: Orphanet 167848, MedGen C0878544, MONDO:0004994, HP:0001638. Inheritance: Various modes of inheritance.

Submissions (4):

Laboratory of Genetics, Children's Clinical University Hospital Latvia
Classification: Likely benign. Last evaluated: 2025-02-16. Review status: criteria provided, single submitter. Criteria: ACMG Guidelines, 2015. Collection method: clinical testing. Allele origin: germline. Affected: yes.

Ambry Genetics
Classification: Likely benign for Cardiovascular phenotype. Last evaluated: 2023-09-22. Review status: criteria provided, single submitter. Criteria: Ambry Variant Classification Scheme 2023. Collection method: clinical testing. Allele origin: germline.

Labcorp Genetics (formerly Invitae), Labcorp
Classification: Uncertain significance for Arrhythmogenic right ventricular dysplasia 5. Last evaluated: 2019-02-20. Review status: criteria provided, single submitter. Criteria: Invitae Variant Classification Sherloc (09022015). Collection method: clinical testing. Allele origin: germline.
Comment: In summary, the available evidence is currently insufficient to determine the role of this variant in disease. Therefore, it has been classified as a Variant of Uncertain Significance. Algorithms developed to predict the effect of sequence changes on RNA splicing suggest that this variant is not likely to affect RNA splicing, but this prediction has not been confirmed by published transcriptional studies. This variant has not been reported in the literature in individuals with TMEM43-related conditions. This variant is not present in population databases (ExAC no frequency). This sequence change affects codon 131 of the TMEM43 mRNA. It is a 'silent' change, meaning that it does not change the encoded amino acid sequence of the TMEM43 protein.

CHEO Genetics Diagnostic Laboratory, Children's Hospital of Eastern Ontario
Classification: Likely benign for Cardiomyopathy. Last evaluated: 2018-04-12. Review status: criteria provided, single submitter. Criteria: ACMG Guidelines, 2015. Collection method: clinical testing. Allele origin: germline.